The following is an entry in ClinVar:

NM_177438.3(DICER1):c.446T>C (p.Ile149Thr)

Gene: DICER1 (dicer 1, ribonuclease III; minus strand). Cytogenetic location: 14q32.13.
Variant type: single nucleotide variant.
Coding change: c.446T>C on transcript NM_177438.3 (MANE Select); coding-DNA position 446, T replaced by C.
Protein change: p.Ile149Thr; replaces isoleucine 149 with threonine.
Molecular consequence: missense variant.
Genome position (GRCh38, 1-based): chr14:95,130,185, A>G on the plus strand (T>C on the coding strand, the complement: DICER1 is on the minus strand). VCF-style: chr14-95130185-A-G. GRCh37 (hg19) VCF-style: chr14-95596522-A-G.
Other names: c.446T>C, p.Ile149Thr (NM_001195573.1, NM_001271282.3, NM_001291628.2 and 1 more transcripts); short protein forms I149T.
Identifiers: ClinVar variation 412161 (VCV000412161.12), dbSNP rs549001286, ClinGen allele CA7331656.

ClinVar aggregate classification (germline): Uncertain significance. Review status: criteria provided, multiple submitters, no conflicts (2 of 4 stars). 3 submissions from 3 submitters: Uncertain significance (3). Last evaluated 2025-06-23.

Conditions:
Hereditary cancer. Identifiers: MedGen C1333600.
DICER1-related tumor predisposition. Also called: DICER1-related pleuropulmonary blastoma cancer predisposition syndrome; DICER1 syndrome. Identifiers: Orphanet 284343, MedGen C3839822, MONDO:0100216.
Hereditary cancer-predisposing syndrome. Also called: Hereditary neoplastic syndrome; Neoplastic Syndromes, Hereditary; Tumor predisposition; Hereditary Cancer Syndrome. Identifiers: Orphanet 140162, MedGen C0027672, MeSH D009386, MONDO:0015356.

Allele frequency attached by ClinVar (database versions not stated): ExAC 0.00001; gnomAD 0.00001; 1000 Genomes Project 30x 0.00016; 1000 Genomes Project 0.00020.
gnomAD v4.1: 1 of 1,612,592 alleles (0.000062%); highest among the groups gnomAD compares: East Asian, 0.0022%; no homozygotes.

Submissions (3):

Mendelics
Classification: Uncertain significance for Hereditary cancer. Last evaluated: 2025-06-23. Review status: criteria provided, single submitter. Criteria: ACMG Guidelines, 2015. Collection method: clinical testing. Allele origin: unknown.
Comment: The available evidence is insufficient to conclusively determine the role of this variant. Therefore, it is classified as a Variant of Uncertain Significance.

Labcorp Genetics (formerly Invitae), Labcorp
Classification: Uncertain significance for DICER1-related tumor predisposition. Last evaluated: 2024-03-21. Review status: criteria provided, single submitter. Criteria: Invitae Variant Classification Sherloc (09022015). Collection method: clinical testing. Allele origin: germline.
Comment: This sequence change replaces isoleucine, which is neutral and non-polar, with threonine, which is neutral and polar, at codon 149 of the DICER1 protein (p.Ile149Thr). This variant is present in population databases (rs549001286, gnomAD 0.006%). This variant has not been reported in the literature in individuals affected with DICER1-related conditions. ClinVar contains an entry for this variant (Variation ID: 412161). Advanced modeling of protein sequence and biophysical properties (such as structural, functional, and spatial information, amino acid conservation, physicochemical variation, residue mobility, and thermodynamic stability) performed at Invitae indicates that this missense variant is not expected to disrupt DICER1 protein function with a negative predictive value of 80%. In summary, the available evidence is currently insufficient to determine the role of this variant in disease. Therefore, it has been classified as a Variant of Uncertain Significance.

Ambry Genetics
Classification: Uncertain significance for Hereditary cancer-predisposing syndrome. Last evaluated: 2023-11-15. Review status: criteria provided, single submitter. Criteria: Ambry Variant Classification Scheme 2023. Collection method: clinical testing. Allele origin: germline.
Comment: The p.I149T variant (also known as c.446T>C), located in coding exon 4 of the DICER1 gene, results from a T to C substitution at nucleotide position 446. The isoleucine at codon 149 is replaced by threonine, an amino acid with similar properties. This amino acid position is conserved. In addition, this alteration is predicted to be tolerated by in silico analysis. Since supporting evidence is limited at this time, the clinical significance of this alteration remains unclear.